The following is an entry in ClinVar:

NM_006648.4(WNK2):c.1832C>A (p.Ala611Asp)

Gene: WNK2 (WNK lysine deficient protein kinase 2; plus strand). Cytogenetic location: 9q22.31.
Variant type: single nucleotide variant.
Coding change: c.1832C>A on transcript NM_006648.4 (MANE Select); coding-DNA position 1832, C replaced by A.
Protein change: p.Ala611Asp; replaces alanine 611 with aspartic acid.
Molecular consequence: missense variant.
Genome position (GRCh38, 1-based): chr9:93,247,832, C>A. VCF-style: chr9-93247832-C-A. GRCh37 (hg19) VCF-style: chr9-96010114-C-A.
Other names: c.1832C>A, p.Ala611Asp (NM_001282394.3); short protein forms A611D.
Identifiers: ClinVar variation 4826248 (VCV004826248.1).
Genomic context (GRCh38, chr9:93,247,832, plus strand): 5'-AGCCGGAGGCCGACCAGCACCTCCTGCCACCTACGTTGCCGACCAGCGCCACCTCCCTGG[C>A]CTGTGAGTGCTCAGGGGTGGGATGGCCATGGGCACCCCTCCCACCTACCCTGCAAAAACC-3'
Protein context (NP_006639.3, residues 601-621): PTLPTSATSL[Ala611Asp]SDSTFDSGQG

ClinVar aggregate classification (germline): Uncertain significance (1 of 4 stars; one submission).

Submission:

Ambry Genetics
Classification: Uncertain significance. Last evaluated: 2026-03-10. Review status: criteria provided, single submitter. Criteria: Ambry Variant Classification Scheme 2023. Collection method: clinical testing. Allele origin: germline.
Comment: The p.A611D variant (also known as c.1832C>A), located in coding exon 7 of the WNK2 gene, results from a C to A substitution at nucleotide position 1832. The alanine at codon 611 is replaced by aspartic acid, an amino acid with dissimilar properties. This amino acid position is conserved. In addition, the in silico prediction for this alteration is inconclusive. Based on the available evidence, the clinical significance of this variant remains unclear.